The following is an entry in ClinVar:

NM_004360.5(CDH1):c.49-16C>T

Gene: CDH1 (cadherin 1; plus strand). Cytogenetic location: 16q22.1.
Variant type: single nucleotide variant.
Coding change: c.49-16C>T on transcript NM_004360.5 (MANE Select); 16 bases into the intron before coding-DNA position 49, C replaced by T.
Molecular consequence: intron variant.
Genome position (GRCh38, 1-based): chr16:68,738,281, C>T. VCF-style: chr16-68738281-C-T. GRCh37 (hg19) VCF-style: chr16-68772184-C-T.
Other names: c.49-16C>T (LRG_301t1, NM_001317184.2); c.-1567-16C>T (NM_001317185.2); c.-1771-16C>T (NM_001317186.2).
Identifiers: ClinVar variation 491544 (VCV000491544.12), dbSNP rs1057517618, ClinGen allele CA623140011.

ClinVar aggregate classification (germline): Likely benign. Review status: criteria provided, multiple submitters, no conflicts (2 of 4 stars). 4 submissions from 4 submitters: Likely benign (4). Last evaluated 2026-01-27.

Conditions:
Hereditary cancer-predisposing syndrome. Also called: Tumor predisposition; Neoplastic Syndromes, Hereditary; Hereditary Cancer Syndrome; Hereditary neoplastic syndrome. Identifiers: Orphanet 140162, MedGen C0027672, MeSH D009386, MONDO:0015356.
Hereditary diffuse gastric adenocarcinoma (HDGC). Also called: DIFFUSE GASTRIC AND LOBULAR BREAST CANCER SYNDROME. Identifiers: Orphanet 26106, MedGen C1708349, MONDO:0007648, OMIM 137215.

Allele frequency attached by ClinVar (database versions not stated): TOPMed below 0.00001.
gnomAD v4.1: 9 of 1,515,018 alleles (0.00059%); highest among the groups gnomAD compares: East Asian, 0.0073%; no homozygotes.

Submissions (4):

Labcorp Genetics (formerly Invitae), Labcorp
Classification: Likely benign for Hereditary diffuse gastric adenocarcinoma. Last evaluated: 2026-01-27. Review status: criteria provided, single submitter. Criteria: Invitae Variant Classification Sherloc (09022015). Collection method: clinical testing. Allele origin: germline.

Myriad Genetics, Inc.
Classification: Likely benign for Hereditary diffuse gastric adenocarcinoma. Last evaluated: 2024-09-11. Review status: criteria provided, single submitter. Criteria: Myriad Autosomal Dominant, Autosomal Recessive and X-Linked Classification Criteria (2023). Collection method: clinical testing. Allele origin: unknown.
Comment: This variant is considered likely benign. This variant is intronic and is not expected to impact mRNA splicing.

GeneDx
Classification: Likely benign. Last evaluated: 2017-03-24. Review status: criteria provided, single submitter. Criteria: GeneDx Variant Classification (06012015). Collection method: clinical testing. Allele origin: germline. Affected: yes.
Comment: This variant is considered likely benign or benign based on one or more of the following criteria: it is a conservative change, it occurs at a poorly conserved position in the protein, it is predicted to be benign by multiple in silico algorithms, and/or has population frequency not consistent with disease.

Color Diagnostics, LLC DBA Color Health
Classification: Likely benign for Hereditary cancer-predisposing syndrome. Last evaluated: 2015-11-16. Review status: criteria provided, single submitter. Criteria: ACMG Guidelines, 2015. Collection method: clinical testing. Allele origin: germline.